The following is an entry in ClinVar:

ClinVar aggregate classification (germline): Conflicting classifications of pathogenicity. Review status: criteria provided, conflicting classifications (1 of 4 stars). 5 submissions from 4 submitters: Uncertain significance (4); Benign (1). Last evaluated 2024-10-28.

Conditions:
Emery-Dreifuss muscular dystrophy 4, autosomal dominant (EDMD4). Also called: EMERY-DREIFUSS MUSCULAR DYSTROPHY 4 WITH VARIABLE FEATURES. Identifiers: Orphanet 261, MedGen C2751807, MONDO:0013071, OMIM 612998.
Autosomal recessive ataxia, Beauce type. Also called: ATAXIA, RECESSIVE, OF BEAUCE; SYNE1 Deficiency; SYNE1-Related Autosomal Recessive Cerebellar Ataxia; Spinocerebellar ataxia, autosomal recessive 8. Identifiers: Orphanet 88644, MedGen C1853116, MONDO:0012549, OMIM 610743.

Allele frequency attached by ClinVar (database versions not stated): gnomAD exomes 0.00003 and 0.00004; TOPMed 0.00003; gnomAD 0.00004 and 0.00005; ExAC 0.00007; ESP Exome Variant Server 0.00008.
gnomAD v4.1: 55 of 1,614,060 alleles (0.0034%); highest among the groups gnomAD compares: East Asian, 0.045%; no homozygotes.

Submissions (5):

Revvity Omics, Revvity
Classification: Uncertain significance. Last evaluated: 2024-10-28. Review status: criteria provided, single submitter. Criteria: ACMG Guidelines, 2015. Collection method: clinical testing. Allele origin: germline.

Labcorp Genetics (formerly Invitae), Labcorp
Classification: Uncertain significance for Emery-Dreifuss muscular dystrophy 4, autosomal dominant; Autosomal recessive ataxia, Beauce type. Last evaluated: 2024-01-24. Review status: criteria provided, single submitter. Criteria: Invitae Variant Classification Sherloc (09022015). Collection method: clinical testing. Allele origin: germline.
Comment: This sequence change replaces arginine, which is basic and polar, with glutamine, which is neutral and polar, at codon 8222 of the SYNE1 protein (p.Arg8222Gln). This variant is present in population databases (rs369073682, gnomAD 0.02%). This variant has not been reported in the literature in individuals affected with SYNE1-related conditions. ClinVar contains an entry for this variant (Variation ID: 906227). An algorithm developed to predict the effect of missense changes on protein structure and function (PolyPhen-2) suggests that this variant is likely to be disruptive. In summary, the available evidence is currently insufficient to determine the role of this variant in disease. Therefore, it has been classified as a Variant of Uncertain Significance.

GeneDx
Classification: Uncertain significance. Last evaluated: 2021-06-19. Review status: criteria provided, single submitter. Criteria: GeneDx Variant Classification Process June 2021. Collection method: clinical testing. Allele origin: germline. Affected: yes.
Comment: Identified in a patient with alternating hemiplegia of childhood who inherited the variant from an asymptomatic parent and who also harbored an apparently de novo variant in the ATP1A3 gene (Ishii A et al., 2013); In silico analysis supports that this missense variant has a deleterious effect on protein structure/function; This variant is associated with the following publications: (PMID: 23409136, 27535533)

Illumina Laboratory Services, Illumina
Classification: Benign for Emery-Dreifuss muscular dystrophy 4, autosomal dominant. Last evaluated: 2017-04-28. Review status: criteria provided, single submitter. Criteria: ICSL Variant Classification Criteria 13 December 2019. Collection method: clinical testing. Allele origin: germline.
Comment: This variant was observed as part of a predisposition screen in an ostensibly healthy population. A literature search was performed for the gene, cDNA change, and amino acid change (where applicable). No publications were found based on this search. Allele frequency data from public databases was too high to be consistent with this variant causing disease. Therefore, this variant is classified as benign.

Illumina Laboratory Services, Illumina
Classification: Uncertain significance for Autosomal recessive ataxia, Beauce type. Last evaluated: 2017-04-28. Review status: criteria provided, single submitter. Criteria: ICSL Variant Classification Criteria 13 December 2019. Collection method: clinical testing. Allele origin: germline.

NM_182961.4(SYNE1):c.24878G>A (p.Arg8293Gln)

Gene: SYNE1 (spectrin repeat containing nuclear envelope protein 1; minus strand). Cytogenetic location: 6q25.2.
Variant type: single nucleotide variant.
Coding change: c.24878G>A on transcript NM_182961.4 (MANE Select); coding-DNA position 24878, G replaced by A.
Protein change: p.Arg8293Gln; replaces arginine 8293 with glutamine.
Molecular consequence: missense variant.
Genome position (GRCh38, 1-based): chr6:152,148,143, C>T on the plus strand (G>A on the coding strand, the complement: SYNE1 is on the minus strand). VCF-style: chr6-152148143-C-T. GRCh37 (hg19) VCF-style: chr6-152469278-C-T.
Other names: c.1484G>A, p.Arg495Gln (NM_001347701.2); c.1343G>A, p.Arg448Gln (NM_001347702.2); c.24665G>A, p.Arg8222Gln (NM_033071.5); short protein forms R448Q, R495Q, R8222Q, R8293Q.
Identifiers: ClinVar variation 906227 (VCV000906227.13), dbSNP rs369073682, ClinGen allele CA4053053.